The following is an entry in ClinVar:

NM_032888.4(COL27A1):c.4904C>T (p.Thr1635Met)

Gene: COL27A1 (collagen type XXVII alpha 1 chain; plus strand). Cytogenetic location: 9q32.
Variant type: single nucleotide variant.
Coding change: c.4904C>T on transcript NM_032888.4 (MANE Select); coding-DNA position 4904, C replaced by T.
Protein change: p.Thr1635Met; replaces threonine 1635 with methionine.
Molecular consequence: missense variant.
Genome position (GRCh38, 1-based): chr9:114,304,639, C>T. VCF-style: chr9-114304639-C-T. GRCh37 (hg19) VCF-style: chr9-117066919-C-T.
Other names: c.4904C>T (NM_032888.2); short protein forms T1635M.
Identifiers: ClinVar variation 1589605 (VCV001589605.9), dbSNP rs149110795, ClinGen allele CA5203210.

ClinVar aggregate classification (germline): Conflicting classifications of pathogenicity. Review status: criteria provided, conflicting classifications (1 of 4 stars). 2 submissions from 2 submitters: Uncertain significance (1); Likely benign (1). Last evaluated 2026-03-23.

Allele frequency attached by ClinVar (database versions not stated): gnomAD exomes 0.00005 and 0.00012; 1000 Genomes Project 0.00020; gnomAD 0.00055 and 0.00052; ESP Exome Variant Server 0.00077; ExAC 0.00018; 1000 Genomes Project 30x 0.00031; TOPMed 0.00053.
gnomAD v4.1: 158 of 1,614,162 alleles (0.0098%); highest among the groups gnomAD compares: African/African-American, 0.16%; 1 homozygote.

Submissions (2):

GeneDx
Classification: Uncertain significance. Last evaluated: 2026-03-23. Review status: criteria provided, single submitter. Criteria: GeneDx Variant Classification Process June 2021. Collection method: clinical testing. Allele origin: germline.
Comment: In silico analysis suggests that this missense variant does not alter protein structure/function; Has not been previously published as pathogenic or benign to our knowledge

Labcorp Genetics (formerly Invitae), Labcorp
Classification: Likely benign. Last evaluated: 2026-01-31. Review status: criteria provided, single submitter. Criteria: Invitae Variant Classification Sherloc (09022015). Collection method: clinical testing. Allele origin: germline.